The following is an entry in ClinVar:

ClinVar aggregate classification (germline): Uncertain significance (1 of 4 stars; one submission).

Conditions:
Cardiovascular phenotype. Identifiers: MedGen CN230736.

Allele frequency attached by ClinVar (database versions not stated): gnomAD exomes below 0.00001; TOPMed 0.00001 and 0.00002; gnomAD 0.00002.
gnomAD v4.1: 3 of 1,613,944 alleles (0.00019%); highest among the groups gnomAD compares: African/African-American, 0.004%; no homozygotes.

Submission:

Ambry Genetics
Classification: Uncertain significance for Cardiovascular phenotype. Last evaluated: 2023-10-16. Review status: criteria provided, single submitter. Criteria: Ambry Variant Classification Scheme 2023. Collection method: clinical testing. Allele origin: germline.
Comment: The p.I2345T variant (also known as c.7034T>C), located in coding exon 26 of the APOB gene, results from a T to C substitution at nucleotide position 7034. The isoleucine at codon 2345 is replaced by threonine, an amino acid with similar properties. This amino acid position is conserved. In addition, this alteration is predicted to be tolerated by in silico analysis. Since supporting evidence is limited at this time, the clinical significance of this alteration remains unclear.

NM_000384.3(APOB):c.7034T>C (p.Ile2345Thr)

Gene: APOB (apolipoprotein B; minus strand). Cytogenetic location: 2p24.1.
Variant type: single nucleotide variant.
Coding change: c.7034T>C on transcript NM_000384.3 (MANE Select); coding-DNA position 7034, T replaced by C.
Protein change: p.Ile2345Thr; replaces isoleucine 2345 with threonine.
Molecular consequence: missense variant.
Genome position (GRCh38, 1-based): chr2:21,009,834, A>G on the plus strand (T>C on the coding strand, the complement: APOB is on the minus strand). VCF-style: chr2-21009834-A-G. GRCh37 (hg19) VCF-style: chr2-21232706-A-G.
Other names: short protein forms I2345T.
Identifiers: ClinVar variation 3231446 (VCV003231446.1), dbSNP rs1442130848, ClinGen allele CA345999783.